The following is an entry in ClinVar:

NM_003060.4(SLC22A5):c.405G>A (p.Val135=)

Gene: SLC22A5 (solute carrier family 22 member 5; plus strand). Cytogenetic location: 5q31.1.
Variant type: single nucleotide variant.
Coding change: c.405G>A on transcript NM_003060.4 (MANE Select); coding-DNA position 405, G replaced by A.
Protein change: p.Val135=; no amino-acid change (valine 135 retained).
Molecular consequence: synonymous variant.
Genome position (GRCh38, 1-based): chr5:132,378,389, G>A. VCF-style: chr5-132378389-G-A. GRCh37 (hg19) VCF-style: chr5-131714081-G-A.
Other names: c.477G>A, p.Val159= (NM_001308122.2).
Identifiers: ClinVar variation 508004 (VCV000508004.5), dbSNP rs777083211, ClinGen allele CA3403883.
Genomic context (GRCh38, chr5:132,378,389, plus strand): 5'-AACCTTTTAAAAAGAAGTGAATGATACACCCCCTTTGCTCATCTTGCAGTGGAACCTGGT[G>A]TGTGAGGACGACTGGAAGGCCCCACTCACAATCTCCTTGTTCTTCGTGGGTGTGCTGTTG-3'
Protein context (NP_003051.1, residues 125-145): LSTIVTEWNL[Val135=]CEDDWKAPLT

ClinVar aggregate classification (germline): Likely benign. Review status: criteria provided, multiple submitters, no conflicts (2 of 4 stars). 2 submissions from 2 submitters: Likely benign (2). Last evaluated 2025-12-24.

Conditions:
Renal carnitine transport defect (CDSP). Also called: CARNITINE DEFICIENCY, SYSTEMIC, DUE TO DEFECT IN RENAL REABSORPTION OF CARNITINE; CARNITINE TRANSPORTER, PLASMA-MEMBRANE, DEFICIENCY OF; CARNITINE UPTAKE DEFECT; Systemic primary carnitine deficiency; Primary carnitine deficiency; Carnitine transporter deficiency. Identifiers: Orphanet 158, MedGen C0342788, MONDO:0008919, OMIM 212140.

Allele frequency attached by ClinVar (database versions not stated): gnomAD 0.00001; gnomAD exomes 0.00001 and 0.00002; ExAC 0.00002.
gnomAD v4.1: 6 of 1,614,072 alleles (0.00037%); highest among the groups gnomAD compares: Admixed American, 0.0067%; no homozygotes.

Submissions (2):

Labcorp Genetics (formerly Invitae), Labcorp
Classification: Likely benign for Renal carnitine transport defect. Last evaluated: 2025-12-24. Review status: criteria provided, single submitter. Criteria: Invitae Variant Classification Sherloc (09022015). Collection method: clinical testing. Allele origin: germline.

GeneDx
Classification: Likely benign. Last evaluated: 2017-03-14. Review status: criteria provided, single submitter. Criteria: GeneDx Variant Classification (06012015). Collection method: clinical testing. Allele origin: germline. Affected: yes.
Comment: This variant is considered likely benign or benign based on one or more of the following criteria: it is a conservative change, it occurs at a poorly conserved position in the protein, it is predicted to be benign by multiple in silico algorithms, and/or has population frequency not consistent with disease.